The following is an entry in ClinVar:

NM_016306.6(DNAJB11):c.600-35T>G

Gene: DNAJB11 (DnaJ heat shock protein family (Hsp40) member B11; plus strand). Cytogenetic location: 3q27.3.
Variant type: single nucleotide variant.
Coding change: c.600-35T>G on transcript NM_016306.6 (MANE Select); 35 bases into the intron before coding-DNA position 600, T replaced by G.
Molecular consequence: intron variant.
Genome position (GRCh38, 1-based): chr3:186,581,960, T>G. VCF-style: chr3-186581960-T-G. GRCh37 (hg19) VCF-style: chr3-186299749-T-G.
Other names: c.324-35T>G (NM_001378451.1).
Identifiers: ClinVar variation 5035482 (VCV005035482.1).

ClinVar aggregate classification (germline): Uncertain significance (1 of 4 stars; one submission).

Conditions:
Inborn genetic diseases. Identifiers: MedGen C0950123, MeSH D030342.

gnomAD v4.1: 2 of 1,528,228 alleles (0.00013%); highest among the groups gnomAD compares: African/African-American, 0.0014%; no homozygotes.

Submission:

Ambry Genetics
Classification: Uncertain significance for Inborn genetic diseases. Last evaluated: 2026-08-21. Review status: criteria provided, single submitter. Criteria: Ambry Variant Classification Scheme 2023. Collection method: clinical testing. Allele origin: germline.
Comment: The c.600-35T>G intronic variant consists of a T to G substitution 35 nucleotides before exon 6 (coding exon 6) of the DNAJB11 gene. Based on data from gnomAD, the G allele has an overall frequency of 0.003% (1/31408) total alleles studied. The highest observed frequency was 0.012% (1/8714) of African alleles. This nucleotide position is highly conserved in available vertebrate species. In silico splice site analysis predicts that this alteration may result in the creation or strengthening of a novel splice acceptor site. Based on insufficient or conflicting evidence, the clinical significance of this alteration remains unclear.